The following is an entry in ClinVar:

ClinVar aggregate classification (germline): Uncertain significance (1 of 4 stars; one submission).

Conditions:
Gastrointestinal stromal tumor. Also called: Gastrointestinal stroma tumor; Gastrointestinal stromal tumor, somatic. Identifiers: Orphanet 44890, MedGen C0238198, MeSH D046152, MONDO:0011719, OMIM 606764, HP:0100723.

Submission:

Labcorp Genetics (formerly Invitae), Labcorp
Classification: Uncertain significance for Gastrointestinal stromal tumor. Last evaluated: 2022-10-10. Review status: criteria provided, single submitter. Criteria: Invitae Variant Classification Sherloc (09022015). Collection method: clinical testing. Allele origin: germline.
Comment: In summary, the available evidence is currently insufficient to determine the role of this variant in disease. Therefore, it has been classified as a Variant of Uncertain Significance. Advanced modeling of protein sequence and biophysical properties (such as structural, functional, and spatial information, amino acid conservation, physicochemical variation, residue mobility, and thermodynamic stability) performed at Invitae indicates that this missense variant is not expected to disrupt PDGFRA protein function. This variant has not been reported in the literature in individuals affected with PDGFRA-related conditions. This variant is not present in population databases (gnomAD no frequency). This sequence change replaces leucine, which is neutral and non-polar, with glutamine, which is neutral and polar, at codon 354 of the PDGFRA protein (p.Leu354Gln).

NM_006206.6(PDGFRA):c.1061T>A (p.Leu354Gln)

Gene: PDGFRA (platelet derived growth factor receptor alpha; plus strand). Cytogenetic location: 4q12.
Variant type: single nucleotide variant.
Coding change: c.1061T>A on transcript NM_006206.6 (MANE Select); coding-DNA position 1061, T replaced by A.
Protein change: p.Leu354Gln; replaces leucine 354 with glutamine.
Molecular consequence: missense variant.
Genome position (GRCh38, 1-based): chr4:54,267,681, T>A. VCF-style: chr4-54267681-T-A. GRCh37 (hg19) VCF-style: chr4-55133848-T-A.
Other names: c.1061T>A, p.Leu354Gln (NM_001347827.2, NM_001347829.2); c.1136T>A, p.Leu379Gln (NM_001347828.2); c.1100T>A, p.Leu367Gln (NM_001347830.2); short protein forms L354Q, L367Q, L379Q.
Identifiers: ClinVar variation 1721364 (VCV001721364.6), dbSNP rs2475456294, ClinGen allele CA356891712.